The following is an entry in ClinVar:

NM_006383.4(CIB2):c.433G>A (p.Val145Met)

Gene: CIB2 (calcium and integrin binding family member 2; minus strand). Cytogenetic location: 15q25.1.
Variant type: single nucleotide variant.
Coding change: c.433G>A on transcript NM_006383.4 (MANE Select); coding-DNA position 433, G replaced by A.
Protein change: p.Val145Met; replaces valine 145 with methionine.
Molecular consequence: missense variant. On other transcripts: non-coding transcript variant (1).
Genome position (GRCh38, 1-based): chr15:78,105,848, C>T on the plus strand (G>A on the coding strand, the complement: CIB2 is on the minus strand). VCF-style: chr15-78105848-C-T. GRCh37 (hg19) VCF-style: chr15-78398190-C-T.
Other names: c.433G>A (NM_006383.3); c.304G>A, p.Val102Met (NM_001271888.2); c.286G>A, p.Val96Met (NM_001271889.2); c.448G>A, p.Val150Met (NM_001301224.2); short protein forms V102M, V145M, V150M, V96M.
Identifiers: ClinVar variation 2420259 (VCV002420259.7), dbSNP rs185286205, ClinGen allele CA7680169.

ClinVar aggregate classification (germline): Uncertain significance. Review status: criteria provided, multiple submitters, no conflicts (2 of 4 stars). 2 submissions from 2 submitters: Uncertain significance (2). Last evaluated 2024-10-17.

Allele frequency attached by ClinVar (database versions not stated): ExAC 0.00001; gnomAD 0.00001; gnomAD exomes 0.00001; 1000 Genomes Project 0.00020; 1000 Genomes Project 30x 0.00031.

Submissions (2):

GeneDx
Classification: Uncertain significance. Last evaluated: 2024-10-17. Review status: criteria provided, single submitter. Criteria: GeneDx Variant Classification Process June 2021. Collection method: clinical testing. Allele origin: germline. Affected: yes.
Comment: In silico analysis indicates that this missense variant does not alter protein structure/function; Has not been previously published as pathogenic or benign to our knowledge

Labcorp Genetics (formerly Invitae), Labcorp
Classification: Uncertain significance. Last evaluated: 2022-02-18. Review status: criteria provided, single submitter. Criteria: Invitae Variant Classification Sherloc (09022015). Collection method: clinical testing. Allele origin: germline.
Comment: In summary, the available evidence is currently insufficient to determine the role of this variant in disease. Therefore, it has been classified as a Variant of Uncertain Significance. Algorithms developed to predict the effect of missense changes on protein structure and function are either unavailable or do not agree on the potential impact of this missense change (SIFT: "Tolerated"; PolyPhen-2: "Probably Damaging"; Align-GVGD: "Class C0"). This variant has not been reported in the literature in individuals affected with CIB2-related conditions. This variant is present in population databases (rs185286205, gnomAD 0.009%). This sequence change replaces valine, which is neutral and non-polar, with methionine, which is neutral and non-polar, at codon 145 of the CIB2 protein (p.Val145Met).